The following is an entry in ClinVar:

ClinVar aggregate classification (somatic clinical impact): Tier II - Potential (1 of 4 stars; one submission).
ClinVar aggregate classification (oncogenicity): Uncertain significance (1 of 4 stars; one submission).

Conditions:
Pineal parenchymal tumor of intermediate differentiation. Identifiers: Orphanet 251919, MedGen C1367859, MONDO:0006369.
Neoplasm. Also called: Neoplasms; Neoplasm (disease); tumor. Identifiers: MedGen C0027651, MeSH D009369, MONDO:0005070, HP:0002664.

Submissions (2):

Center for Genomic Medicine, Rigshospitalet, Copenhagen University Hospital
Classification: Uncertain significance for Neoplasm. Last evaluated: 2026-10-16. Review status: criteria provided, single submitter. Criteria: ClinGen/CGC/VICC Guidelines for Oncogenicity, 2022. Collection method: clinical testing. Allele origin: somatic. Affected: yes.

Institute for Genomic Medicine (IGM) Clinical Laboratory, Nationwide Children's Hospital
Classification: Tier II - Potential for Pineal parenchymal tumor of intermediate differentiation. Assertion type: diagnostic. Clinical significance: supports diagnosis. Last evaluated: 2025-01-20. Review status: criteria provided, single submitter. Criteria: AMP/ASCO/CAP Guidelines, 2017. Collection method: clinical testing. Allele origin: somatic. Affected: yes.
Comment: Variant has Tier II (potential) clinical significance as a diagnostic inclusion criterion in pineal parenchymal tumor of intermediate differentiation, based on the following evidence: 1) Documented in one or more cancer databases (e.g., St. Jude Pecan, COSMIC, CIViC, OncoKB). 2) Assists in diagnosis alone or along with other biomarkers based on small studies or few case reports (Evidence Level D; PMIDs: 31225581, 36541551).

Literature cited by the submitters: PubMed 31225581 (cited by Institute for Genomic Medicine (IGM) Clinical Laboratory, Nationwide Children's Hospital); PubMed 36541551 (cited by Institute for Genomic Medicine (IGM) Clinical Laboratory, Nationwide Children's Hospital).

NM_000489.6(ATRX):c.6761A>G (p.His2254Arg)

Gene: ATRX (ATRX chromatin remodeler; minus strand). Cytogenetic location: Xq21.1.
Variant type: single nucleotide variant.
Coding change: c.6761A>G on transcript NM_000489.6 (MANE Select); coding-DNA position 6761, A replaced by G.
Protein change: p.His2254Arg; replaces histidine 2254 with arginine.
Molecular consequence: missense variant.
Genome position (GRCh38, 1-based): chrX:77,523,340, T>C on the plus strand (A>G on the coding strand, the complement: ATRX is on the minus strand). VCF-style: chrX-77523340-T-C. GRCh37 (hg19) VCF-style: chrX-76778818-T-C.
Other names: c.6647A>G, p.His2216Arg (NM_138270.5); short protein forms H2216R, H2254R.
Identifiers: ClinVar variation 4530222 (VCV004530222.2).